The following is an entry in ClinVar:

ClinVar aggregate classification (germline): Uncertain significance (1 of 4 stars; one submission).

Conditions:
PCNT-related disorder. Also called: PCNT-related condition.

gnomAD v4.1: 3 of 1,614,218 alleles (0.00019%); highest among the groups gnomAD compares: Admixed American, 0.0017%; no homozygotes.

Submission:

PreventionGenetics, part of Exact Sciences
Classification: Uncertain significance for PCNT-related condition. Last evaluated: 2026-09-15. Review status: criteria provided, single submitter. Criteria: ACMG Guidelines, 2015. Collection method: clinical testing. Allele origin: germline.
Comment: The PCNT c.637A>G variant is predicted to result in the amino acid substitution p.Lys213Glu. To our knowledge, this variant has not been reported in the literature. This variant is reported in 0.0029% of alleles in individuals of Latino descent in gnomAD. At this time, the clinical significance of this variant is uncertain due to the absence of conclusive functional and genetic evidence.

NM_006031.6(PCNT):c.637A>G (p.Lys213Glu)

Gene: PCNT (pericentrin; plus strand). Cytogenetic location: 21q22.3.
Variant type: single nucleotide variant.
Coding change: c.637A>G on transcript NM_006031.6 (MANE Select); coding-DNA position 637, A replaced by G.
Protein change: p.Lys213Glu; replaces lysine 213 with glutamic acid.
Molecular consequence: missense variant.
Genome position (GRCh38, 1-based): chr21:46,334,766, A>G. VCF-style: chr21-46334766-A-G. GRCh37 (hg19) VCF-style: chr21-47754680-A-G.
Other names: c.283A>G, p.Lys95Glu (NM_001315529.2); short protein forms K95E, K213E.
Identifiers: ClinVar variation 4978361 (VCV004978361.1).